The following is an entry in ClinVar:

NM_003803.4(MYOM1):c.2846C>G (p.Ser949Ter)

Gene: MYOM1 (myomesin 1; minus strand). Cytogenetic location: 18p11.31.
Variant type: single nucleotide variant.
Coding change: c.2846C>G on transcript NM_003803.4 (MANE Select); coding-DNA position 2846, C replaced by G.
Protein change: p.Ser949Ter; replaces serine 949 with a stop codon.
Molecular consequence: nonsense.
Genome position (GRCh38, 1-based): chr18:3,126,846, G>C on the plus strand (C>G on the coding strand, the complement: MYOM1 is on the minus strand). VCF-style: chr18-3126846-G-C. GRCh37 (hg19) VCF-style: chr18-3126844-G-C.
Other names: c.2558C>G, p.Ser853Ter (NM_019856.2); short protein forms S853*, S949*.
Identifiers: ClinVar variation 2025689 (VCV002025689.4), dbSNP rs769398492, ClinGen allele CA8874509.

ClinVar aggregate classification (germline): Uncertain significance (1 of 4 stars; one submission).

Conditions:
Hypertrophic cardiomyopathy. Also called: HYPERTROPHIC MYOCARDIOPATHY. Identifiers: Orphanet 217569, MedGen C0007194, MeSH D002312, MONDO:0005045, HP:0001639.

Allele frequency attached by ClinVar (database versions not stated): ExAC 0.00001.

Submission:

Labcorp Genetics (formerly Invitae), Labcorp
Classification: Uncertain significance for Hypertrophic cardiomyopathy. Last evaluated: 2022-08-21. Review status: criteria provided, single submitter. Criteria: Invitae Variant Classification Sherloc (09022015). Collection method: clinical testing. Allele origin: germline.
Comment: This sequence change creates a premature translational stop signal (p.Ser949*) in the MYOM1 gene. It is expected to result in an absent or disrupted protein product. However, the current clinical and genetic evidence is not sufficient to establish whether loss-of-function variants in MYOM1 cause disease. The frequency data for this variant in the population databases is considered unreliable, as metrics indicate poor data quality at this position in the gnomAD database. This variant has not been reported in the literature in individuals affected with MYOM1-related conditions. In summary, the available evidence is currently insufficient to determine the role of this variant in disease. Therefore, it has been classified as a Variant of Uncertain Significance.